The following is an entry in ClinVar:

ClinVar aggregate classification (germline): Pathogenic/Likely pathogenic. Review status: criteria provided, multiple submitters, no conflicts (2 of 4 stars). 4 submissions from 4 submitters: Pathogenic (1); Likely pathogenic (3). Last evaluated 2026-02-24.

Conditions:
Hereditary breast ovarian cancer syndrome. Also called: Hereditary breast and/or ovarian cancer syndrome; Hereditary breast and ovarian cancer syndrome; Breast and ovarian cancer; BRCA1- and BRCA2-Associated Hereditary Breast and Ovarian Cancer; Hereditary breast and ovarian cancer; Hereditary breast and ovarian cancer syndrome (HBOC). Identifiers: Orphanet 145, MedGen C0677776, MeSH D061325, MONDO:0003582. Disease mechanism: loss of function.
Hereditary cancer-predisposing syndrome. Also called: Hereditary Cancer Syndrome; Tumor predisposition; Neoplastic Syndromes, Hereditary; Hereditary neoplastic syndrome. Identifiers: Orphanet 140162, MedGen C0027672, MeSH D009386, MONDO:0015356.

Submissions (4):

Ambry Genetics
Classification: Likely pathogenic for Hereditary cancer-predisposing syndrome. Last evaluated: 2026-02-24. Review status: criteria provided, single submitter. Criteria: Ambry Variant Classification Scheme 2023. Collection method: clinical testing. Allele origin: germline.
Comment: The c.8755-2A>G intronic variant results from an A to G substitution two nucleotides upstream from coding exon 21 in the BRCA2 gene. The results from two saturation genome editing-based studies, including a haploid cell-survival assay and a humanized mouse embryonic stem cell line assay of drug response and survival, are discordant for this nucleotide substitution (Huang H et al. Nature. 2025 Feb;638(8050):528-537; Sahu S et al. Nature. 2025 Feb;638(8050):538-545). This nucleotide position is highly conserved in available vertebrate species. In silico splice site analysis predicts that this alteration will weaken the native splice acceptor site and will result in the creation or strengthening of a novel splice acceptor site; however, direct evidence is insufficient at this time (Ambry internal data). Based on the majority of available evidence to date, this variant is likely to be pathogenic.

Women's Health and Genetics/Laboratory Corporation of America, LabCorp
Classification: Pathogenic for Hereditary breast ovarian cancer syndrome. Last evaluated: 2025-12-05. Review status: criteria provided, single submitter. Criteria: LabCorp Variant Classification Summary - May 2015. Collection method: clinical testing. Allele origin: germline.
Comment: Variant summary: BRCA2 c.8755-2A>G is located in a canonical splice-site and is predicted to affect mRNA splicing resulting in a significantly altered protein due to either exon skipping, shortening, or inclusion of intronic material. Variants that disrupt the consensus splice site are a relatively common cause of aberrant splicing and loss of BRCA2 function. Several computational tools predict a significant impact on normal splicing: Three predict the variant abolishes a 3' acceptor site. Two predict the variant creates a 3' acceptor site. However, these predictions have yet to be confirmed by functional studies. The variant was absent in 249976 control chromosomes. c.8755-2A>G has been observed in a setting of panel study in cancer predisposition genes for prostate cancer risk in men of African ancestry (Matejcic_2020). These report(s) do not provide unequivocal conclusions about association of the variant with Hereditary Breast And Ovarian Cancer Syndrome. To our knowledge, no experimental evidence demonstrating an impact on protein function has been reported. The following publication have been ascertained in the context of this evaluation (PMID: 32832836). ClinVar contains an entry for this variant (Variation ID: 822711). Based on the evidence outlined above, the variant was classified as pathogenic.

Labcorp Genetics (formerly Invitae), Labcorp
Classification: Likely pathogenic for Hereditary breast ovarian cancer syndrome. Last evaluated: 2025-10-06. Review status: criteria provided, single submitter. Criteria: Invitae Variant Classification Sherloc (09022015). Collection method: clinical testing. Allele origin: germline.
Comment: This sequence change affects an acceptor splice site in intron 21 of the BRCA2 gene. It is expected to disrupt RNA splicing. Variants that disrupt the donor or acceptor splice site typically lead to a loss of protein function (PMID: 16199547), and loss-of-function variants in BRCA2 are known to be pathogenic (PMID: 20104584). This variant is not present in population databases (gnomAD no frequency). This variant has not been reported in the literature in individuals affected with BRCA2-related conditions. ClinVar contains an entry for this variant (Variation ID: 822711). Algorithms developed to predict the effect of sequence changes on RNA splicing suggest that this variant may disrupt the consensus splice site. In summary, the currently available evidence indicates that the variant is pathogenic, but additional data are needed to prove that conclusively. Therefore, this variant has been classified as Likely Pathogenic.

Color Diagnostics, LLC DBA Color Health
Classification: Likely pathogenic for Hereditary cancer-predisposing syndrome. Last evaluated: 2025-04-21. Review status: criteria provided, single submitter. Criteria: ACMG Guidelines, 2015. Collection method: clinical testing. Allele origin: germline.
Comment: This variant causes a A to G nucleotide substitution at the -2 position at the intron 21 splice acceptor site in the BRCA2 gene. This variant is expected to disrupt splicing at the intron 21 (PMID: 30661751) and other similar disruptions to the -1 position have been show to cause out-of-frame skipping (PMID: 9971877, 18489799, 23451180, 25382762ClinVar Accession: SCV001179494.4). Functional studies have conflicting reports for this variant (PMID: 39779848, 39779857). This variant has been detected in a breast cancer case-control meta-analysis in 1/60466 cases and 0/53461 unaffected individuals (PMID: 33471991Leiden Open Variation Database DB-ID BRCA2_005805). Two other variants disrupting the canonical -1 position at this splice acceptor sites have been reported in over a dozen individuals and families affected with breast and ovarian cancer (PMID: 9971877, 18489799, 24156927). This variant has not been identified in the general population by the Genome Aggregation Database (gnomAD). Based on the available evidence, this variant is classified as Likely Pathogenic.

Literature cited by the submitters: PubMed 32832836 (cited by Women's Health and Genetics/Laboratory Corporation of America, LabCorp); PubMed 16199547 (cited by Labcorp Genetics (formerly Invitae), Labcorp); PubMed 20104584 (cited by Labcorp Genetics (formerly Invitae), Labcorp); PubMed 9971877 (cited by Color Diagnostics, LLC DBA Color Health); PubMed 18489799 (cited by Color Diagnostics, LLC DBA Color Health); PubMed 23451180 (cited by Color Diagnostics, LLC DBA Color Health); PubMed 24156927 (cited by Color Diagnostics, LLC DBA Color Health); PubMed 25382762 (cited by Color Diagnostics, LLC DBA Color Health); PubMed 30661751 (cited by Color Diagnostics, LLC DBA Color Health); PubMed 33471991 (cited by Color Diagnostics, LLC DBA Color Health); PubMed 39779848 (cited by Color Diagnostics, LLC DBA Color Health); PubMed 39779857 (cited by Color Diagnostics, LLC DBA Color Health).

NM_000059.4(BRCA2):c.8755-2A>G

Gene: BRCA2 (BRCA2 DNA repair associated; plus strand). Cytogenetic location: 13q13.1.
Variant type: single nucleotide variant.
Coding change: c.8755-2A>G on transcript NM_000059.4 (MANE Select); the canonical splice acceptor site of the intron before coding-DNA position 8755, A replaced by G.
Molecular consequence: splice acceptor variant.
Genome position (GRCh38, 1-based): chr13:32,379,315, A>G. VCF-style: chr13-32379315-A-G. GRCh37 (hg19) VCF-style: chr13-32953452-A-G.
Other names: c.8755-2A>G (NM_001406720.1); c.8659-2A>G (NM_001406719.1); c.3823-2A>G (NM_001406721.1); c.2338-2A>G (NM_001406722.1).
Identifiers: ClinVar variation 822711 (VCV000822711.7), dbSNP rs1566252482, ClinGen allele CA387755677.
Genomic context (GRCh38, chr13:32,379,315, plus strand): 5'-TACAATAGATGGAACTTTTTTGTTCTGATTGCTTTTTATTCCAATATCTTAAATGGTCAC[A>G]GGGTTATTTCAGTGAAGAGCAGTTAAGAGCCTTGAATAATCACAGGCAAATGTTGAATGA-3'